The following is an entry in ClinVar:

NM_001291303.3(FAT4):c.7915G>T (p.Val2639Leu)

Gene: FAT4 (FAT atypical cadherin 4; plus strand). Cytogenetic location: 4q28.1.
Variant type: single nucleotide variant.
Coding change: c.7915G>T on transcript NM_001291303.3 (MANE Select); coding-DNA position 7915, G replaced by T.
Protein change: p.Val2639Leu; replaces valine 2639 with leucine.
Molecular consequence: missense variant.
Genome position (GRCh38, 1-based): chr4:125,448,925, G>T. VCF-style: chr4-125448925-G-T. GRCh37 (hg19) VCF-style: chr4-126370080-G-T.
Other names: c.7915G>T, p.Val2639Leu (NM_001291285.3); c.7909G>T, p.Val2637Leu (NM_024582.6); short protein forms V2637L, V2639L.
Identifiers: ClinVar variation 2067551 (VCV002067551.4), dbSNP rs1233313643, ClinGen allele CA358144319.
Genomic context (GRCh38, chr4:125,448,925, plus strand): 5'-TTAACAGGGCAGGTGTCTATTAGTCAACCTCTGGATTTTGAAAAGATACAAAAATATGTT[G>T]TATGGATAGAGGCCAGAGACGGTGGTTTCCCTCCTTTCTCCTCTTACGAGAAACTTGATA-3'
Protein context (NP_001278232.1, residues 2629-2649): LDFEKIQKYV[Val2639Leu]WIEARDGGFP

ClinVar aggregate classification (germline): Uncertain significance (1 of 4 stars; one submission).

Allele frequency attached by ClinVar (database versions not stated): gnomAD 0.00001; TOPMed 0.00001.
gnomAD v4.1: 5 of 1,613,042 alleles (0.00031%); highest among the groups gnomAD compares: African/African-American, 0.0027%; no homozygotes.

Submission:

Labcorp Genetics (formerly Invitae), Labcorp
Classification: Uncertain significance. Last evaluated: 2022-11-22. Review status: criteria provided, single submitter. Criteria: Invitae Variant Classification Sherloc (09022015). Collection method: clinical testing. Allele origin: germline.
Comment: In summary, the available evidence is currently insufficient to determine the role of this variant in disease. Therefore, it has been classified as a Variant of Uncertain Significance. Advanced modeling of protein sequence and biophysical properties (such as structural, functional, and spatial information, amino acid conservation, physicochemical variation, residue mobility, and thermodynamic stability) performed at Invitae indicates that this missense variant is not expected to disrupt FAT4 protein function. This variant has not been reported in the literature in individuals affected with FAT4-related conditions. This variant is not present in population databases (gnomAD no frequency). This sequence change replaces valine, which is neutral and non-polar, with leucine, which is neutral and non-polar, at codon 2637 of the FAT4 protein (p.Val2637Leu).